The following is an entry in ClinVar:

ClinVar aggregate classification (germline): Likely benign. Review status: criteria provided, multiple submitters, no conflicts (2 of 4 stars). 3 submissions from 3 submitters: Likely benign (2). 1 of the submissions does not count toward it. Last evaluated 2026-01-27.

Conditions:
GJC2-related disorder. Also called: GJC2-related disorders; GJC2-related condition. Identifiers: MedGen CN230087.
Spastic paraplegia. Identifiers: MedGen C0037772, HP:0001258.

Allele frequency attached by ClinVar (database versions not stated): gnomAD exomes 0.00003; ExAC 0.00017; ESP Exome Variant Server 0.00023; gnomAD 0.00024; TOPMed 0.00033; 1000 Genomes Project 30x 0.00047; 1000 Genomes Project 0.00060.
gnomAD v4.1: 80 of 1,510,586 alleles (0.0053%); highest among the groups gnomAD compares: African/African-American, 0.098%; no homozygotes.

Submissions (3):

Labcorp Genetics (formerly Invitae), Labcorp
Classification: Likely benign for Spastic paraplegia. Last evaluated: 2026-01-27. Review status: criteria provided, single submitter. Criteria: Invitae Variant Classification Sherloc (09022015). Collection method: clinical testing. Allele origin: germline.

Blueprint Genetics
Classification: Likely benign. Last evaluated: 2021-02-15. Review status: criteria provided, single submitter. Criteria: ACMG Guidelines, 2015. Collection method: clinical testing. Allele origin: germline.

PreventionGenetics, part of Exact Sciences
Classification: Likely benign for GJC2-related condition. Last evaluated: 2019-08-14. Review status: no assertion criteria provided. Collection method: clinical testing. Allele origin: germline. Not counted in ClinVar's aggregate classification.
Comment: This variant is classified as likely benign based on ACMG/AMP sequence variant interpretation guidelines (Richards et al. 2015 PMID: 25741868, with internal and published modifications).

NM_020435.4(GJC2):c.51C>T (p.His17=)

Gene: GJC2 (gap junction protein gamma 2; plus strand). Cytogenetic location: 1q42.13.
Variant type: single nucleotide variant.
Coding change: c.51C>T on transcript NM_020435.4 (MANE Select); coding-DNA position 51, C replaced by T.
Protein change: p.His17=; no amino-acid change (histidine 17 retained).
Molecular consequence: synonymous variant.
Genome position (GRCh38, 1-based): chr1:228,157,809, C>T. VCF-style: chr1-228157809-C-T. GRCh37 (hg19) VCF-style: chr1-228345510-C-T.
Other names: c.51C>T (NM_020435.3).
Identifiers: ClinVar variation 2910764 (VCV002910764.6), dbSNP rs138357152, ClinGen allele CA1430791.
Genomic context (GRCh38, chr1:228,157,809, plus strand): 5'-GCCCGCCCCTATGACCAACATGAGCTGGAGCTTCCTGACGCGGCTGCTGGAGGAGATCCA[C>T]AACCACTCCACCTTCGTGGGCAAGGTGTGGCTCACGGTGCTGGTGGTCTTCCGCATCGTG-3'
Protein context (NP_065168.2, residues 7-27): SFLTRLLEEI[His17=]NHSTFVGKVW